The following is an entry in ClinVar:

NM_004364.5(CEBPA):c.547C>T (p.Pro183Ser)

Gene: CEBPA (CCAAT enhancer binding protein alpha; minus strand). Cytogenetic location: 19q13.11.
Variant type: single nucleotide variant.
Coding change: c.547C>T on transcript NM_004364.5 (MANE Select); coding-DNA position 547, C replaced by T.
Protein change: p.Pro183Ser; replaces proline 183 with serine.
Molecular consequence: missense variant.
Genome position (GRCh38, 1-based): chr19:33,301,868, G>A on the plus strand (C>T on the coding strand, the complement: CEBPA is on the minus strand). VCF-style: chr19-33301868-G-A. GRCh37 (hg19) VCF-style: chr19-33792774-G-A.
Other names: c.547C>T (NM_004364.3); c.190C>T, p.Pro64Ser (NM_001285829.2); c.652C>T, p.Pro218Ser (NM_001287424.2); c.505C>T, p.Pro169Ser (NM_001287435.2); short protein forms P183S, P218S, P169S, P64S.
Identifiers: ClinVar variation 565564 (VCV000565564.10), dbSNP rs998501847, ClinGen allele CA307844293.

ClinVar aggregate classification (germline): Conflicting classifications of pathogenicity. Review status: criteria provided, conflicting classifications (1 of 4 stars). 2 submissions from 2 submitters: Uncertain significance (1); Likely benign (1). Last evaluated 2025-05-10.

Conditions:
Inborn genetic diseases. Identifiers: MedGen C0950123, MeSH D030342.
Acute myeloid leukemia (AML). Also called: Leukemia, acute myeloid, somatic; Leukemia, acute myelogenous, somatic; Acute myeloid leukemia, adult; AML adult; Acute non-lymphocytic leukemia; Acute granulocytic leukemia. Identifiers: Orphanet 519, MedGen C0023467, MeSH D015470, MONDO:0018874, OMIM 601626, HP:0004808. Disease mechanism: Constitutively activated FLT3.

Allele frequency attached by ClinVar (database versions not stated): gnomAD 0.00001.

Submissions (2):

Ambry Genetics
Classification: Likely benign for Inborn genetic diseases. Last evaluated: 2025-05-10. Review status: criteria provided, single submitter. Criteria: Ambry Variant Classification Scheme 2023. Collection method: clinical testing. Allele origin: germline.

Labcorp Genetics (formerly Invitae), Labcorp
Classification: Uncertain significance for Acute myeloid leukemia. Last evaluated: 2025-01-23. Review status: criteria provided, single submitter. Criteria: Invitae Variant Classification Sherloc (09022015). Collection method: clinical testing. Allele origin: germline.
Comment: This sequence change replaces proline, which is neutral and non-polar, with serine, which is neutral and polar, at codon 183 of the CEBPA protein (p.Pro183Ser). This variant is not present in population databases (gnomAD no frequency). This variant has not been reported in the literature in individuals affected with CEBPA-related conditions. ClinVar contains an entry for this variant (Variation ID: 565564). An algorithm developed to predict the effect of missense changes on protein structure and function (PolyPhen-2) suggests that this variant is likely to be tolerated. In summary, the available evidence is currently insufficient to determine the role of this variant in disease. Therefore, it has been classified as a Variant of Uncertain Significance.